The following is an entry in ClinVar:

ClinVar aggregate classification (germline): Pathogenic (1 of 4 stars; one submission).

Submission:

Labcorp Genetics (formerly Invitae), Labcorp
Classification: Pathogenic. Last evaluated: 2024-07-02. Review status: criteria provided, single submitter. Criteria: Invitae Variant Classification Sherloc (09022015). Collection method: clinical testing. Allele origin: germline.
Comment: This sequence change creates a premature translational stop signal (p.Leu509Serfs*51) in the POLR2A gene. It is expected to result in an absent or disrupted protein product. Loss-of-function variants in POLR2A are known to be pathogenic (PMID: 31353023). This variant is not present in population databases (gnomAD no frequency). This variant has not been reported in the literature in individuals affected with POLR2A-related conditions. For these reasons, this variant has been classified as Pathogenic.

Literature cited by the submitters: PubMed 31353023.

NM_000937.5(POLR2A):c.1524dup (p.Leu509fs)

Gene: POLR2A (RNA polymerase II subunit A; plus strand). Cytogenetic location: 17p13.1.
Variant type: Duplication.
Coding change: c.1524dup on transcript NM_000937.5 (MANE Select); coding-DNA position 1524, one base duplicated (T; older notation c.1524dupT).
Protein change: p.Leu509fs; shifts the reading frame from leucine 509.
Molecular consequence: frameshift variant.
Genome position (GRCh38, 1-based): chr17:7,499,344, T duplicated. VCF-style (leftmost placement, unchanged base first): chr17-7499343-C-CT. GRCh37 (hg19) VCF-style: chr17-7402662-C-CT.
Other names: short protein forms L509fs.
Identifiers: ClinVar variation 3658562 (VCV003658562.2).
Genomic context (GRCh38, chr17:7,499,343, plus strand): 5'-TGACAACTCCGTACAATGCAGACTTTGACGGGGATGAGATGAACTTGCACCTGCCACAGT[C>CT]TCTGGAGACGCGAGCAGAGATCCAGGAGCTGGCCATGGTTCCTCGCATGATTGTCACCCC-3'